The following is an entry in ClinVar:

ClinVar aggregate classification (germline): Likely benign (1 of 4 stars; one submission).

Submission:

CeGaT Center for Human Genetics Tuebingen
Classification: Likely benign. Last evaluated: 2023-05-01. Review status: criteria provided, single submitter. Criteria: CeGaT Center For Human Genetics Tuebingen Variant Classification Criteria Version 2. Collection method: clinical testing. Allele origin: germline. Affected: yes. Observed: 8 variant alleles.
Comment: PTPN11: BS1

NM_002834.5(PTPN11):c.*1157ATG[17]

Gene: PTPN11 (protein tyrosine phosphatase non-receptor type 11; plus strand). Cytogenetic location: 12q24.13.
Variant type: Microsatellite.
Coding change: c.*1157ATG[17] on transcript NM_002834.5 (MANE Select); 17 copies in a row of the 3-base unit ATG starting at c.*1157; the reference has 15 copies in a row; two copies, 6 bases duplicated.
Molecular consequence: 3 prime UTR variant.
Genome position (GRCh38, 1-based): chr12:112,506,988-112,506,993, ATGATG duplicated; duplicating any 6 consecutive bases within chr12:112,506,947-112,506,993 gives the same sequence; the position shown is the placement nearest the transcript's 3' end. VCF-style (leftmost placement, unchanged base first): chr12-112506946-T-TTGATGA. GRCh37 (hg19) VCF-style: chr12-112944750-T-TTGATGA.
Other names: c.*1157ATG[17] (NM_001330437.2, NM_001374625.1).
Identifiers: ClinVar variation 307239 (VCV000307239.29), dbSNP rs80269561, ClinGen allele CA10636518.